The following is an entry in ClinVar:

NM_152617.4(RNF168):c.524A>G (p.Asp175Gly)

Gene: RNF168 (ring finger protein 168; minus strand). Cytogenetic location: 3q29.
Variant type: single nucleotide variant.
Coding change: c.524A>G on transcript NM_152617.4 (MANE Select); coding-DNA position 524, A replaced by G.
Protein change: p.Asp175Gly; replaces aspartic acid 175 with glycine.
Molecular consequence: missense variant.
Genome position (GRCh38, 1-based): chr3:196,487,433, T>C on the plus strand (A>G on the coding strand, the complement: RNF168 is on the minus strand). VCF-style: chr3-196487433-T-C. GRCh37 (hg19) VCF-style: chr3-196214304-T-C.
Other names: short protein forms D175G.
Identifiers: ClinVar variation 1365201 (VCV001365201.8), dbSNP rs1178682578, ClinGen allele CA355625110.
Genomic context (GRCh38, chr3:196,487,433, plus strand): 5'-CCTTAGCGTTCCCTCCTAAAACTTACAATATCAATGCTTAGCTTTCTTGCCAGTTCCTCA[T>C]CACTTTTCAGTTGTTCTTCCATCGCTCTTCGCCTTTTTTCTGCCTGTCTTTTTTCCTCTT-3'
Protein context (NP_689830.2, residues 165-185): RRAMEEQLKS[Asp175Gly]EELARKLSID

ClinVar aggregate classification (germline): Uncertain significance (1 of 4 stars; one submission).

Allele frequency attached by ClinVar (database versions not stated): gnomAD exomes below 0.00001; gnomAD 0.00001; TOPMed 0.00001.

Submission:

Labcorp Genetics (formerly Invitae), Labcorp
Classification: Uncertain significance. Last evaluated: 2021-07-02. Review status: criteria provided, single submitter. Criteria: Invitae Variant Classification Sherloc (09022015). Collection method: clinical testing. Allele origin: germline.
Comment: In summary, the available evidence is currently insufficient to determine the role of this variant in disease. Therefore, it has been classified as a Variant of Uncertain Significance. Algorithms developed to predict the effect of sequence changes on RNA splicing suggest that this variant may create or strengthen a splice site. Algorithms developed to predict the effect of missense changes on protein structure and function are either unavailable or do not agree on the potential impact of this missense change (SIFT: "Deleterious"; PolyPhen-2: "Probably Damaging"; Align-GVGD: "Class C0"). This variant has not been reported in the literature in individuals affected with RNF168-related conditions. This variant is not present in population databases (ExAC no frequency). This sequence change replaces aspartic acid with glycine at codon 175 of the RNF168 protein (p.Asp175Gly). The aspartic acid residue is highly conserved and there is a moderate physicochemical difference between aspartic acid and glycine.